The following is an entry in ClinVar:

NM_012090.5(MACF1):c.89G>A (p.Arg30Gln)

Gene: MACF1 (microtubule actin crosslinking factor 1; plus strand). Cytogenetic location: 1p34.3.
Variant type: single nucleotide variant.
Coding change: c.89G>A on transcript NM_012090.5; coding-DNA position 89, G replaced by A.
Protein change: p.Arg30Gln; replaces arginine 30 with glutamine.
Molecular consequence: missense variant.
Genome position (GRCh38, 1-based): chr1:39,084,307, G>A. VCF-style: chr1-39084307-G-A. GRCh37 (hg19) VCF-style: chr1-39549979-G-A.
Other names: short protein forms R30Q.
Identifiers: ClinVar variation 1973953 (VCV001973953.6), dbSNP rs765180561, ClinGen allele CA779025.

ClinVar aggregate classification (germline): Uncertain significance. Review status: criteria provided, multiple submitters, no conflicts (2 of 4 stars). 3 submissions from 3 submitters: Uncertain significance (3). Last evaluated 2023-06-10.

Conditions:
Lissencephaly 9 with complex brainstem malformation. Identifiers: Orphanet 572013, MedGen C5193029, MONDO:0032677, OMIM 618325.
Inborn genetic diseases. Identifiers: MedGen C0950123, MeSH D030342.

Allele frequency attached by ClinVar (database versions not stated): gnomAD 0.00001; TOPMed below 0.00001; ExAC 0.00001.
gnomAD v4.1: 7 of 1,613,906 alleles (0.00043%); highest among the groups gnomAD compares: Non-Finnish European, 0.00059%; no homozygotes.

Submissions (3):

Labcorp Genetics (formerly Invitae), Labcorp
Classification: Uncertain significance. Last evaluated: 2023-06-10. Review status: criteria provided, single submitter. Criteria: Invitae Variant Classification Sherloc (09022015). Collection method: clinical testing. Allele origin: germline.
Comment: This sequence change replaces arginine, which is basic and polar, with glutamine, which is neutral and polar, at codon 30 of the MACF1 protein (p.Arg30Gln). This variant is present in population databases (rs765180561, gnomAD 0.003%). This variant has not been reported in the literature in individuals affected with MACF1-related conditions. ClinVar contains an entry for this variant (Variation ID: 1973953). An algorithm developed to predict the effect of missense changes on protein structure and function (PolyPhen-2) suggests that this variant is likely to be tolerated. In summary, the available evidence is currently insufficient to determine the role of this variant in disease. Therefore, it has been classified as a Variant of Uncertain Significance.

Genome-Nilou Lab
Classification: Uncertain significance for Lissencephaly 9 with complex brainstem malformation. Last evaluated: 2023-04-11. Review status: criteria provided, single submitter. Criteria: ACMG Guidelines, 2015. Collection method: clinical testing. Allele origin: germline. Affected: no.

Ambry Genetics
Classification: Uncertain significance for Inborn genetic diseases. Last evaluated: 2021-06-15. Review status: criteria provided, single submitter. Criteria: Ambry Variant Classification Scheme 2023. Collection method: clinical testing. Allele origin: germline.